The following is an entry in ClinVar:

NM_177438.3(DICER1):c.3156T>C (p.Val1052=)

Gene: DICER1 (dicer 1, ribonuclease III; minus strand). Cytogenetic location: 14q32.13.
Variant type: single nucleotide variant.
Coding change: c.3156T>C on transcript NM_177438.3 (MANE Select); coding-DNA position 3156, T replaced by C.
Protein change: p.Val1052=; no amino-acid change (valine 1052 retained).
Molecular consequence: synonymous variant. On other transcripts: non-coding transcript variant (6).
Genome position (GRCh38, 1-based): chr14:95,105,184, A>G on the plus strand (T>C on the coding strand, the complement: DICER1 is on the minus strand). VCF-style: chr14-95105184-A-G. GRCh37 (hg19) VCF-style: chr14-95571521-A-G.
Other names: c.3156T>C, p.Val1052= (NM_001195573.1, NM_001271282.3, NM_001291628.2 and 13 more transcripts); c.2874T>C, p.Val958= (NM_001395686.1); c.2751T>C, p.Val917= (NM_001395687.1, NM_001395688.1, NM_001395689.1 and 2 more transcripts); c.2589T>C, p.Val863= (NM_001395691.1); c.1473T>C, p.Val491= (NM_001395697.1).
Identifiers: ClinVar variation 2691951 (VCV002691951.12), dbSNP rs2542755438, ClinGen allele CA487626698.

ClinVar aggregate classification (germline): Benign/Likely benign. Review status: criteria provided, multiple submitters, no conflicts (2 of 4 stars). 5 submissions from 5 submitters: Benign (1); Likely benign (4). Last evaluated 2026-04-17.

Conditions:
Hereditary cancer-predisposing syndrome. Also called: Hereditary neoplastic syndrome; Neoplastic Syndromes, Hereditary; Tumor predisposition; Hereditary Cancer Syndrome. Identifiers: Orphanet 140162, MedGen C0027672, MeSH D009386, MONDO:0015356.
DICER1-related tumor predisposition. Also called: DICER1 syndrome; DICER1-related pleuropulmonary blastoma cancer predisposition syndrome. Identifiers: Orphanet 284343, MedGen C3839822, MONDO:0100216.

Submissions (5):

Myriad Genetics, Inc.
Classification: Benign for DICER1-related tumor predisposition. Last evaluated: 2026-04-17. Review status: criteria provided, single submitter. Criteria: Myriad Autosomal Dominant, Autosomal Recessive and X-Linked Classification Criteria (2023). Collection method: clinical testing. Allele origin: unknown.
Comment: This variant is considered benign. This variant is a silent/synonymous amino acid change and it is not expected to impact splicing.

CeGaT Center for Human Genetics Tuebingen
Classification: Likely benign. Last evaluated: 2025-08-01. Review status: criteria provided, single submitter. Criteria: CeGaT Center For Human Genetics Tuebingen Variant Classification Criteria Version 2. Collection method: clinical testing. Allele origin: germline. Affected: yes. Observed: 1 variant allele.
Comment: DICER1: PM2:Supporting, BP4, BP7

Labcorp Genetics (formerly Invitae), Labcorp
Classification: Likely benign for DICER1-related tumor predisposition. Last evaluated: 2025-06-24. Review status: criteria provided, single submitter. Criteria: Invitae Variant Classification Sherloc (09022015). Collection method: clinical testing. Allele origin: germline.

Center for Genomic Medicine, Rigshospitalet, Copenhagen University Hospital
Classification: Likely benign. Last evaluated: 2025-03-04. Review status: criteria provided, single submitter. Criteria: ACMG Guidelines, 2015. Collection method: clinical testing. Allele origin: germline.

Ambry Genetics
Classification: Likely benign for Hereditary cancer-predisposing syndrome. Last evaluated: 2023-11-01. Review status: criteria provided, single submitter. Criteria: Ambry Variant Classification Scheme 2023. Collection method: clinical testing. Allele origin: germline.